The following continues an entry in ClinVar:

NM_000402.4(G6PD):c.1039G>A (p.Glu347Lys)

Gene: G6PD. ClinVar aggregate classification (germline): Pathogenic/Likely pathogenic. Pathogenic (17); Likely pathogenic (9).

Submissions 8 to 24 of 30:

Mayo Clinic Laboratories, Mayo Clinic
Classification: Pathogenic. Last evaluated: 2025-03-27. Review status: criteria provided, single submitter. Criteria: ACMG Guidelines, 2015. Collection method: clinical testing. Allele origin: germline. Observed: 2 variant alleles.

First Genomix Gene Laboratory, Genetic Diagnostics Department
Classification: Pathogenic for Anemia, nonspherocytic hemolytic, due to G6PD deficiency. Last evaluated: 2025-02-04. Review status: criteria provided, single submitter. Criteria: ACMG Guidelines, 2015. Collection method: clinical testing. Allele origin: germline. Inheritance: X-linked recessive inheritance. Affected: no. Observed: 1 variant allele.

Blueprint Genetics
Classification: Likely pathogenic for G6PD-related disorders. Last evaluated: 2024-10-02. Review status: criteria provided, single submitter. Criteria: ACMG Guidelines, 2015. Collection method: clinical testing. Allele origin: germline. Affected: yes. Observed: 5 variant alleles.

CeGaT Center for Human Genetics Tuebingen
Classification: Pathogenic. Last evaluated: 2024-07-01. Review status: criteria provided, single submitter. Criteria: CeGaT Center For Human Genetics Tuebingen Variant Classification Criteria Version 2. Collection method: clinical testing. Allele origin: germline. Affected: yes. Observed: 5 variant alleles.
Comment: G6PD: PP1:Strong, PS4, PS3:Moderate

Fulgent Genetics
Classification: Likely pathogenic for Anemia, nonspherocytic hemolytic, due to G6PD deficiency; Malaria, susceptibility to. Last evaluated: 2024-04-06. Review status: criteria provided, single submitter. Criteria: ACMG Guidelines, 2015. Collection method: clinical testing. Allele origin: germline.

Genomic Medicine Center of Excellence, King Faisal Specialist Hospital and Research Centre
Classification: Likely pathogenic for Anemia, nonspherocytic hemolytic, due to G6PD deficiency. Last evaluated: 2024-04-04. Review status: criteria provided, single submitter. Criteria: ACMG Guidelines, 2015. Collection method: clinical testing. Allele origin: germline.

Baylor Genetics
Classification: Pathogenic for Malaria, susceptibility to. Last evaluated: 2024-03-16. Review status: criteria provided, single submitter. Criteria: ACMG Guidelines, 2015. Collection method: clinical testing. Allele origin: unknown.

Baylor Genetics
Classification: Pathogenic for Anemia, nonspherocytic hemolytic, due to G6PD deficiency. Last evaluated: 2023-06-30. Review status: criteria provided, single submitter. Criteria: ACMG Guidelines, 2015. Collection method: clinical testing. Allele origin: unknown.

Neuberg Centre For Genomic Medicine, NCGM
Classification: Pathogenic for Anemia, nonspherocytic hemolytic, due to G6PD deficiency. Last evaluated: 2023-06-22. Review status: criteria provided, single submitter. Criteria: ACMG Guidelines, 2015. Collection method: clinical testing. Allele origin: germline. Inheritance: X-linked inheritance. Affected: yes.
Comment: The observed missense variant c.949G>A (p.Glu317Lys) in G6PD gene has been reported previously in multiple individuals affected with Glucose-6-phosphate dehydrogenase (G6PD) deficiency (Sarker SK, et al., 2016, Islam MT, et al., 2018). This variant is a prevalent G6PD variant in the South Asian population, typically associated with partial reduction of enzyme activity (Sarker SK, et al., 2016, Islam MT, et al., 2018). The p.Glu317Lys variant is present with allele frequency of 0.1% in gnomAD Exomes. This variant has been submitted to the ClinVar database as Pathogenic (multiple submissions). The reference amino acid change at this position on G6PD gene is predicted as conserved by GERP++ and PhyloP across 100 vertebrates. The amino acid Glutamic acid at position 317 is changed to a Lysine changing protein sequence and it might alter its composition and physico-chemical properties. For these reasons, this variant has been classified as Pathogenic.

New York Genome Center
Classification: Pathogenic for Anemia, nonspherocytic hemolytic, due to G6PD deficiency. Last evaluated: 2023-05-03. Review status: criteria provided, single submitter. Criteria: NYGC Assertion Criteria 2020. Collection method: clinical testing. Allele origin: inherited. Observed: 1 hemizygote.
Comment: This variant is also called c.1039G>Ap.(Glu347Lys) based on transcript NM_000402.4, and is reported in ClinVar [ClinVar ID:10401] as Pathogenic. This variant is observed in 322 alleles (0.04% minor allele frequency with 6 homozygotes and 151 hemizygotes) in population databases (gnomAD v2.1.1 and v3.1.2, TOPMed Freeze 8, All of Us) including in 242 alleles(1.07% minor allele frequency with 1 homozygote and 148 hemizygotes) in South Asian subpopulation (gnomAD v2.1.1 and v3.1.2(non-Topmed)). In silico predictions are in favor of damaging effect for p.(Glu317Lys) (REVEL = 0.648). The p.(Glu317Lys) variant in G6PD has previously been reported in individuals with G6PD deficiency and is also known as G6PD Kerala, G6PD Kalyan, G6PD Kerala Kalyan, G6PD Jamnagar, and G6PD Rohini in the literature [(PMID: 15996881, 1303182, 30097005,16528451, 15315792, 27880809, 27535533, 33069889]. The c.949G>A p.(Glu317Lys) variant in G6PD is reported as Class III variant according to WHO classification and associated with moderate G6PD deficiency (10-60% enzyme activity) and hemolysis with stressors only [PMID:15996881,22293322]. Based on available evidence this maternally inherited hemizygous c.949G>A p.(Glu317Lys) variant identified in the G6PD gene is classified as Pathogenic.

Dunham Lab, University of Washington
Classification: Pathogenic for Anemia, nonspherocytic hemolytic, due to G6PD deficiency. Last evaluated: 2022-08-12. Review status: criteria provided, single submitter. Criteria: Bayesian ACMG Guidelines, 2018. Collection method: curation. Allele origin: inherited. Affected: yes.
Comment: Variant found in unrelated hemizygotes with G6PD deficiency but no other symptoms (PS4_M, PP4). Also segregates with deficiency in multiple brothers, and heterozygous sister has slightly decreased activity (PP1). Decreased activity in red blood cells of hemizygotes (19-52%) (PS3). Modeling predicts disruption of function (PP3). Reported as pathogenic by multiple clinical testing groups (PP5). Post_P 0.994 (odds of pathogenicity 1517, Prior_P 0.1).

Clinical Genetics Laboratory, Skane University Hospital Lund
Classification: Likely pathogenic. Last evaluated: 2022-07-13. Review status: criteria provided, single submitter. Criteria: ACMG Guidelines, 2015. Collection method: clinical testing. Allele origin: germline. Affected: yes.

Mendelics
Classification: Pathogenic for Anemia, nonspherocytic hemolytic, due to G6PD deficiency. Last evaluated: 2022-05-27. Review status: criteria provided, single submitter. Criteria: Mendelics Assertion Criteria 2017. Collection method: clinical testing. Allele origin: unknown.

Department of Pathology and Laboratory Medicine, Sinai Health System
Classification: Pathogenic for Anemia, nonspherocytic hemolytic, due to G6PD deficiency. Last evaluated: 2022-05-06. Review status: criteria provided, single submitter. Criteria: ACMG Guidelines, 2015. Collection method: research. Allele origin: germline.

Illumina Laboratory Services, Illumina
Classification: Pathogenic for G6PD deficiency. Last evaluated: 2021-03-05. Review status: criteria provided, single submitter. Criteria: ICSLVariantClassificationCriteria RUGD 01 April 2020. Collection method: clinical testing. Allele origin: unknown.
Comment: The G6PD c.1039G>A (p. Glu347Lys) missense variant, which is also commonly reported as c.949G>A (p.Glu317Lys) and G6PD Kerala-Kalyan, and less commonly reported as G6PD Jamnagar or Rohini, is one of the most common disease-causing variants in South Asian populations. The p.Glu347Lys variant has been estimated to account for between 1.1% and 24.5% of disease-causing alleles in the Indian population (Sukumar et al. 2004; Devendra et al. 2020). This variant has also been reported in affected individuals of Bangladeshi, Burmese, and Thai descent (Nuchprayoon et al. 2008; Sarker et al. 2016). The p.Glu347Lys variant is typically associated with glucose-6-phosphate dehydrogenase enzyme activity levels between 10% - 60% of wild type and is considered a class III variant according the WHO classification system for G6PD variants (Minucci et al. 2012; Harcke et al. 2019). The p.Glu347Lys variant is reported at a frequency of 0.01138 in the South Asian population of the Genome Aggregation Database. This allele frequency is high but is consistent with the disease prevalence estimates. Although the consequences of p.Glu347Lys have not been characterized experimentally, the Glu347 residue is known to interact with Lys275, which is the site of the another disease-causing variant, p.Lys275Asn or G6PD Bangkok. This interaction forms a salt bridge between subunits B and C of the tetrameric structure in wild-type G6PD (Boonyuen et al. 2017). Based on the collective evidence and application of the ACMG criteria, the p. Glu347Lys variant is classified as pathogenic for glucose-6-phosphate dehydrogenase deficiency.

Intergen Genetics and Rare Diseases Diagnosis Center
Classification: Pathogenic for Anemia, nonspherocytic hemolytic, due to G6PD deficiency. Review status: criteria provided, single submitter. Criteria: ACMG Guidelines, 2015. Collection method: clinical testing. Allele origin: unknown. Inheritance: X-linked inheritance.

Juno Genomics, Hangzhou Juno Genomics, Inc
Classification: Likely pathogenic for Anemia, nonspherocytic hemolytic, due to G6PD deficiency; Malaria, susceptibility to. Review status: criteria provided, single submitter. Criteria: ACMG Guidelines, 2015. Collection method: clinical testing. Allele origin: germline.
Comment: Absent from controls (or at extremely low frequency if recessive) in Genome Aggregation Database.;Well-established in vitro or in vivo functional studies supportive of a damaging effect on the gene or gene product.;The prevalence of the variant in affected individuals is significantly increased compared to the prevalence in controls.;Patient's phenotype or family history is highly specific for a disease with a single genetic etiology.